The following is an entry in ClinVar:

ClinVar aggregate classification (germline): Uncertain significance (1 of 4 stars; one submission).

Conditions:
Hereditary cancer-predisposing syndrome. Also called: Neoplastic Syndromes, Hereditary; Tumor predisposition; Hereditary Cancer Syndrome; Hereditary neoplastic syndrome. Identifiers: Orphanet 140162, MedGen C0027672, MeSH D009386, MONDO:0015356.

Submission:

Ambry Genetics
Classification: Uncertain significance for Hereditary cancer-predisposing syndrome. Last evaluated: 2025-04-06. Review status: criteria provided, single submitter. Criteria: Ambry Variant Classification Scheme 2023. Collection method: clinical testing. Allele origin: germline.
Comment: The p.G154E variant (also known as c.461G>A), located in coding exon 5 of the MRE11A gene, results from a G to A substitution at nucleotide position 461. The glycine at codon 154 is replaced by glutamic acid, an amino acid with similar properties. This amino acid position is conserved. In addition, this alteration is predicted to be deleterious by in silico analysis. Since supporting evidence is limited at this time, the clinical significance of this alteration remains unclear.

NM_005591.4(MRE11):c.461G>A (p.Gly154Glu)

Gene: MRE11 (MRE11 double strand break repair nuclease; minus strand). Cytogenetic location: 11q21.
Variant type: single nucleotide variant.
Coding change: c.461G>A on transcript NM_005591.4 (MANE Select); coding-DNA position 461, G replaced by A.
Protein change: p.Gly154Glu; replaces glycine 154 with glutamic acid.
Molecular consequence: missense variant.
Genome position (GRCh38, 1-based): chr11:94,478,818, C>T on the plus strand (G>A on the coding strand, the complement: MRE11 is on the minus strand). VCF-style: chr11-94478818-C-T. GRCh37 (hg19) VCF-style: chr11-94211984-C-T.
Other names: c.461G>A, p.Gly154Glu (NM_001330347.2, NM_005590.4); short protein forms G154E.
Identifiers: ClinVar variation 1800015 (VCV001800015.3), dbSNP rs2496556545, ClinGen allele CA382377567.